The following is an entry in ClinVar:

NM_000903.3(NQO1):c.706G>A (p.Gly236Arg)

Gene: NQO1 (NAD(P)H quinone dehydrogenase 1; minus strand). Cytogenetic location: 16q22.1.
Variant type: single nucleotide variant.
Coding change: c.706G>A on transcript NM_000903.3 (MANE Select); coding-DNA position 706, G replaced by A.
Protein change: p.Gly236Arg; replaces glycine 236 with arginine.
Molecular consequence: missense variant.
Genome position (GRCh38, 1-based): chr16:69,711,095, C>T on the plus strand (G>A on the coding strand, the complement: NQO1 is on the minus strand). VCF-style: chr16-69711095-C-T. GRCh37 (hg19) VCF-style: chr16-69744998-C-T.
Other names: c.604G>A, p.Gly202Arg (NM_001025433.2); c.592G>A, p.Gly198Arg (NM_001025434.2); c.490G>A, p.Gly164Arg (NM_001286137.2); short protein forms G198R, G236R, G164R, G202R.
Identifiers: ClinVar variation 3300903 (VCV003300903.1).

ClinVar aggregate classification (germline): Uncertain significance (1 of 4 stars; one submission).

gnomAD v4.1: 1 of 1,614,172 alleles (0.000062%); highest among the groups gnomAD compares: Non-Finnish European, 0.000085%; no homozygotes.

Submission:

Ambry Genetics
Classification: Uncertain significance. Last evaluated: 2024-05-26. Review status: criteria provided, single submitter. Criteria: Ambry Variant Classification Scheme 2023. Collection method: clinical testing. Allele origin: germline.
Comment: The p.G236R variant (also known as c.706G>A), located in coding exon 6 of the NQO1 gene, results from a G to A substitution at nucleotide position 706. The glycine at codon 236 is replaced by arginine, an amino acid with dissimilar properties. This amino acid position is conserved. In addition, the in silico prediction for this alteration is inconclusive. Based on the available evidence, the clinical significance of this variant remains unclear.